The following is an entry in ClinVar:

ClinVar aggregate classification (germline): Uncertain significance (1 of 4 stars; one submission).

Submission:

Quest Diagnostics Nichols Institute San Juan Capistrano
Classification: Uncertain significance. Last evaluated: 2025-03-11. Review status: criteria provided, single submitter. Criteria: Quest Diagnostics criteria. Collection method: clinical testing. Allele origin: unknown.
Comment: The BRCA2 c.4991T>G (p.Ile1664Ser) variant has not been reported in individuals with BRCA2-related conditions in the published literature. It also has not been reported in large, multi-ethnic general populations (Genome Aggregation Database). Analysis of this variant using bioinformatics tools for the prediction of the effect of amino acid changes on protein structure and function yielded predictions that this variant is benign. Based on the available information, we are unable to determine the clinical significance of this variant.

NM_000059.4(BRCA2):c.4991T>G (p.Ile1664Ser)

Gene: BRCA2 (BRCA2 DNA repair associated; plus strand). Cytogenetic location: 13q13.1.
Variant type: single nucleotide variant.
Coding change: c.4991T>G on transcript NM_000059.4 (MANE Select); coding-DNA position 4991, T replaced by G.
Protein change: p.Ile1664Ser; replaces isoleucine 1664 with serine.
Molecular consequence: missense variant. On other transcripts: non-coding transcript variant (1), intron variant (2).
Genome position (GRCh38, 1-based): chr13:32,339,346, T>G. VCF-style: chr13-32339346-T-G. GRCh37 (hg19) VCF-style: chr13-32913483-T-G.
Other names: c.4991T>G, p.Ile1664Ser (NM_001406719.1, NM_001406720.1, NM_001432077.1); c.1910-5212T>G (NM_001406721.1); c.425-5212T>G (NM_001406722.1); short protein forms I1664S.
Identifiers: ClinVar variation 4532826 (VCV004532826.1).